The following is an entry in ClinVar:

ClinVar aggregate classification (germline): Uncertain significance (1 of 4 stars; one submission).

Submission:

Labcorp Genetics (formerly Invitae), Labcorp
Classification: Uncertain significance. Last evaluated: 2023-04-15. Review status: criteria provided, single submitter. Criteria: Invitae Variant Classification Sherloc (09022015). Collection method: clinical testing. Allele origin: germline.
Comment: In summary, the available evidence is currently insufficient to determine the role of this variant in disease. Therefore, it has been classified as a Variant of Uncertain Significance. An algorithm developed to predict the effect of missense changes on protein structure and function (PolyPhen-2) suggests that this variant is likely to be tolerated. This variant has not been reported in the literature in individuals affected with VCAN-related conditions. This variant is not present in population databases (gnomAD no frequency). This sequence change replaces aspartic acid, which is acidic and polar, with alanine, which is neutral and non-polar, at codon 2296 of the VCAN protein (p.Asp2296Ala).

NM_004385.5(VCAN):c.6887A>C (p.Asp2296Ala)

Genes: VCAN (versican; plus strand), VCAN-AS1 (VCAN antisense RNA 1; minus strand). Cytogenetic location: 5q14.3.
Variant type: single nucleotide variant.
Coding change: c.6887A>C on transcript NM_004385.5 (MANE Select); coding-DNA position 6887, A replaced by C.
Protein change: p.Asp2296Ala; replaces aspartic acid 2296 with alanine.
Molecular consequence: missense variant. On other transcripts: intron variant (2).
Genome position (GRCh38, 1-based): chr5:83,539,890, A>C. VCF-style: chr5-83539890-A-C. GRCh37 (hg19) VCF-style: chr5-82835709-A-C.
Other names: c.3926A>C, p.Asp1309Ala (NM_001164097.2); c.4004-5647A>C (NM_001164098.2); c.1043-5647A>C (NM_001126336.3); short protein forms D2296A, D1309A.
Identifiers: ClinVar variation 2856405 (VCV002856405.3), dbSNP rs2479115560, ClinGen allele CA360313553.